The following is an entry in ClinVar:

ClinVar aggregate classification (germline): Uncertain significance (1 of 4 stars; one submission).

Conditions:
Gastrointestinal stromal tumor. Also called: Gastrointestinal stromal tumor, somatic; Gastrointestinal stroma tumor. Identifiers: Orphanet 44890, MedGen C0238198, MeSH D046152, MONDO:0011719, OMIM 606764, HP:0100723.

Submission:

Labcorp Genetics (formerly Invitae), Labcorp
Classification: Uncertain significance for Gastrointestinal stromal tumor. Last evaluated: 2024-10-09. Review status: criteria provided, single submitter. Criteria: Invitae Variant Classification Sherloc (09022015). Collection method: clinical testing. Allele origin: germline.
Comment: This sequence change falls in intron 8 of the KIT gene. It does not directly change the encoded amino acid sequence of the KIT protein. It affects a nucleotide within the consensus splice site. This variant is not present in population databases (gnomAD no frequency). This variant has not been reported in the literature in individuals affected with KIT-related conditions. Variants that disrupt the consensus splice site are a relatively common cause of aberrant splicing (PMID: 17576681, 9536098). Algorithms developed to predict the effect of sequence changes on RNA splicing suggest that this variant is not likely to affect RNA splicing. In summary, the available evidence is currently insufficient to determine the role of this variant in disease. Therefore, it has been classified as a Variant of Uncertain Significance.

Literature cited by the submitters: PubMed 17576681; PubMed 9536098.

NM_000222.3(KIT):c.1346+3G>A

Gene: KIT (KIT proto-oncogene, receptor tyrosine kinase; plus strand). Cytogenetic location: 4q12.
Variant type: single nucleotide variant.
Coding change: c.1346+3G>A on transcript NM_000222.3 (MANE Select); 3 bases into the intron after coding-DNA position 1346, G replaced by A.
Molecular consequence: intron variant.
Genome position (GRCh38, 1-based): chr4:54,723,701, G>A. VCF-style: chr4-54723701-G-A. GRCh37 (hg19) VCF-style: chr4-55589867-G-A.
Other names: c.1349+3G>A (NM_001385284.1, NM_001385290.1, NM_001385288.1 and 1 more transcripts); c.1346+3G>A (NM_001385285.1, NM_001093772.2, NM_001385286.1).
Identifiers: ClinVar variation 2743751 (VCV002743751.3), dbSNP rs1560414567, ClinGen allele CA1458757023.